The following is an entry in ClinVar:

NM_001048174.2(MUTYH):c.379-1G>T

Gene: MUTYH (mutY DNA glycosylase; minus strand). Cytogenetic location: 1p34.1.
Variant type: single nucleotide variant.
Coding change: c.379-1G>T on transcript NM_001048174.2 (MANE Select); the canonical splice acceptor site of the intron before coding-DNA position 379, G replaced by T.
Molecular consequence: splice acceptor variant. On other transcripts: intron variant (4).
Genome position (GRCh38, 1-based): chr1:45,332,960, C>A on the plus strand (G>T on the coding strand, the complement: MUTYH is on the minus strand). VCF-style: chr1-45332960-C-A. GRCh37 (hg19) VCF-style: chr1-45798632-C-A.
Other names: c.379-1G>T (NM_001407072.1, NM_001048171.2, NM_001407070.1 and 5 more transcripts); c.34-1G>T (NM_001350651.2, NM_001350650.2, NM_001407082.1); c.103-1G>T (NM_001293192.2, NM_001293196.2, NM_001407091.1); c.421-126G>T (NM_001407073.1); c.424-1G>T (NM_001293190.2); c.454-126G>T (NM_001407069.1); c.454-1G>T (NM_012222.3); c.463-1G>T (NM_001128425.2); and 7 more.
Identifiers: ClinVar variation 1742048 (VCV001742048.2), dbSNP rs1057520660, ClinGen allele CA340136045.
Genomic context (GRCh38, chr1:45,332,960, plus strand): 5'-CCCTAGGGTGGCTCTCACCTCCAGGGAAGCACTGGCCAGGTCCTGCAGTGTAGGCCACTT[C>A]TATAGCCACAGGCAGGCAGAAAGAGACAAGGTCAAGGGTGAAGGTGGTAGAGGAAGCCTT-3'

ClinVar aggregate classification (germline): Likely pathogenic (1 of 4 stars; one submission).

Conditions:
Hereditary cancer-predisposing syndrome. Also called: Hereditary Cancer Syndrome; Hereditary neoplastic syndrome; Neoplastic Syndromes, Hereditary; Tumor predisposition. Identifiers: Orphanet 140162, MedGen C0027672, MeSH D009386, MONDO:0015356.

Submission:

Ambry Genetics
Classification: Likely pathogenic for Hereditary cancer-predisposing syndrome. Last evaluated: 2021-01-26. Review status: criteria provided, single submitter. Criteria: Ambry Variant Classification Scheme 2023. Collection method: clinical testing. Allele origin: germline.
Comment: The c.463-1G>T intronic variant results from a G to T substitution one nucleotide upstream from coding exon 6 of the MUTYH gene. Alterations that disrupt the canonical splice site are expected to result in aberrant splicing. In silico splice site analysis predicts that this alteration will weaken the native splice acceptor site and may result in the creation or strengthening of a novel splice acceptor site. The resulting transcript is predicted to be in-frame and is not expected to trigger nonsense-mediated mRNA decay; however, direct evidence is unavailable. The exact functional effect of the missing amino acids is unknown; however, the impacted region is anticipated to result in a decrease in structural stability of the protein (Luncsford PJ et al. J Mol Biol, 2010 Oct;403:351-70; Ambry internal data). This variant was not reported in population-based cohorts in the Genome Aggregation Database (gnomAD). This nucleotide position is highly conserved in available vertebrate species. Based on the majority of available evidence to date, this variant is likely to be pathogenic.

Literature cited by the submitters: PubMed 20816984.